The following is an entry in ClinVar:

ClinVar aggregate classification (germline): Uncertain significance. Review status: criteria provided, multiple submitters, no conflicts (2 of 4 stars). 2 submissions from 2 submitters: Uncertain significance (2). Last evaluated 2026-02-17.

Conditions:
Inborn genetic diseases. Identifiers: MedGen C0950123, MeSH D030342.

gnomAD v4.1: 2 of 1,614,086 alleles (0.00012%); highest among the groups gnomAD compares: African/African-American, 0.0027%; no homozygotes.

Submissions (2):

Ambry Genetics
Classification: Uncertain significance for Inborn genetic diseases. Last evaluated: 2026-02-17. Review status: criteria provided, single submitter. Criteria: Ambry Variant Classification Scheme 2023. Collection method: clinical testing. Allele origin: germline.

Labcorp Genetics (formerly Invitae), Labcorp
Classification: Uncertain significance. Last evaluated: 2025-04-02. Review status: criteria provided, single submitter. Criteria: Invitae Variant Classification Sherloc (09022015). Collection method: clinical testing. Allele origin: germline.
Comment: This sequence change replaces glutamine, which is neutral and polar, with arginine, which is basic and polar, at codon 397 of the BEST1 protein (p.Gln397Arg). This variant is not present in population databases (gnomAD no frequency). This variant has not been reported in the literature in individuals affected with BEST1-related conditions. Invitae Evidence Modeling of protein sequence and biophysical properties (such as structural, functional, and spatial information, amino acid conservation, physicochemical variation, residue mobility, and thermodynamic stability) has been performed for this missense variant. However, the output from this modeling did not meet the statistical confidence thresholds required to predict the impact of this variant on BEST1 protein function. In summary, the available evidence is currently insufficient to determine the role of this variant in disease. Therefore, it has been classified as a Variant of Uncertain Significance.

NM_004183.4(BEST1):c.1190A>G (p.Gln397Arg)

Gene: BEST1 (bestrophin 1; plus strand). Cytogenetic location: 11q12.3.
Variant type: single nucleotide variant.
Coding change: c.1190A>G on transcript NM_004183.4 (MANE Select); coding-DNA position 1190, A replaced by G.
Protein change: p.Gln397Arg; replaces glutamine 397 with arginine.
Molecular consequence: missense variant. On other transcripts: non-coding transcript variant (1), 3 prime UTR variant (1).
Genome position (GRCh38, 1-based): chr11:61,962,344, A>G. VCF-style: chr11-61962344-A-G. GRCh37 (hg19) VCF-style: chr11-61729816-A-G.
Other names: c.1190A>G (NM_004183.3); c.776A>G, p.Gln259Arg (NM_001440576.1); c.1010A>G, p.Gln337Arg (NM_001139443.3, NM_001300787.2); c.929A>G, p.Gln310Arg (NM_001300786.2, NM_001440574.1); c.872A>G, p.Gln291Arg (NM_001363591.3); c.*85A>G (NM_001363592.2); c.218A>G, p.Gln73Arg (NM_001363593.3); c.1190A>G, p.Gln397Arg (NM_001440571.1); and 3 more; short protein forms Q346R, Q259R, Q286R, Q370R, Q397R, Q310R, Q337R, Q73R.
Identifiers: ClinVar variation 4765168 (VCV004765168.2).